The following is an entry in ClinVar:

NM_001620.3(AHNAK):c.12923A>G (p.His4308Arg)

Gene: AHNAK (AHNAK nucleoprotein; minus strand). Cytogenetic location: 11q12.3.
Variant type: single nucleotide variant.
Coding change: c.12923A>G on transcript NM_001620.3 (MANE Select); coding-DNA position 12923, A replaced by G.
Protein change: p.His4308Arg; replaces histidine 4308 with arginine.
Molecular consequence: missense variant. On other transcripts: intron variant (1).
Genome position (GRCh38, 1-based): chr11:62,521,494, T>C on the plus strand (A>G on the coding strand, the complement: AHNAK is on the minus strand). VCF-style: chr11-62521494-T-C. GRCh37 (hg19) VCF-style: chr11-62288966-T-C.
Other names: c.12923A>G, p.His4308Arg (NM_001346445.2, NM_001346446.2); c.342+13509A>G (NM_024060.4); short protein forms H4308R.
Identifiers: ClinVar variation 4868357 (VCV004868357.1).

ClinVar aggregate classification (germline): Uncertain significance (1 of 4 stars; one submission).

gnomAD v4.1: 48 of 1,612,744 alleles (0.003%); highest among the groups gnomAD compares: Non-Finnish European, 0.0039%; no homozygotes.

Submission:

Ambry Genetics
Classification: Uncertain significance. Last evaluated: 2026-04-20. Review status: criteria provided, single submitter. Criteria: Ambry Variant Classification Scheme 2023. Collection method: clinical testing. Allele origin: germline.
Comment: The c.12923A>G (p.H4308R) alteration is located in exon 5 (coding exon 3) of the AHNAK gene. This alteration results from a A to G substitution at nucleotide position 12923, causing the histidine (H) at amino acid position 4308 to be replaced by an arginine (R). Based on data from gnomAD, the G allele has an overall frequency of 0.003% (7/251472) total alleles studied. The highest observed frequency was 0.006% (7/113758) of European (non-Finnish) alleles. Based on insufficient or conflicting evidence, the clinical significance of this alteration remains unclear.